The following is an entry in ClinVar:

ClinVar aggregate classification (germline): Likely pathogenic (1 of 4 stars; one submission).

Conditions:
Bailey-Bloch congenital myopathy (CMYO13). Also called: STAC3 disorder; Native American myopathy; Congenital myopathy 13. Identifiers: Orphanet 168572, MedGen C1850625, MONDO:0009722, OMIM 255995.

Allele frequency attached by ClinVar (database versions not stated): gnomAD exomes below 0.00001; gnomAD 0.00001; TOPMed 0.00001.
gnomAD v4.1: 2 of 1,613,778 alleles (0.00012%); highest among the groups gnomAD compares: African/African-American, 0.0013%; no homozygotes.

Submission:

Labcorp Genetics (formerly Invitae), Labcorp
Classification: Likely pathogenic for Bailey-Bloch congenital myopathy. Last evaluated: 2022-01-04. Review status: criteria provided, single submitter. Criteria: Invitae Variant Classification Sherloc (09022015). Collection method: clinical testing. Allele origin: germline.
Comment: This variant is present in population databases (rs112253539, gnomAD 0.0009%). This sequence change affects a donor splice site in intron 7 of the STAC3 gene. It is expected to disrupt RNA splicing. Variants that disrupt the donor or acceptor splice site typically lead to a loss of protein function (PMID: 16199547), and loss-of-function variants in STAC3 are known to be pathogenic (PMID: 28411587, 28777491). This variant has not been reported in the literature in individuals affected with STAC3-related conditions. In summary, the currently available evidence indicates that the variant is pathogenic, but additional data are needed to prove that conclusively. Therefore, this variant has been classified as Likely Pathogenic. Algorithms developed to predict the effect of sequence changes on RNA splicing suggest that this variant may disrupt the consensus splice site.

Literature cited by the submitters: PubMed 16199547; PubMed 28411587; PubMed 28777491.

NM_145064.3(STAC3):c.670+2T>A

Gene: STAC3 (SH3 and cysteine rich domain 3; minus strand). Cytogenetic location: 12q13.3.
Variant type: single nucleotide variant.
Coding change: c.670+2T>A on transcript NM_145064.3 (MANE Select); the canonical splice donor site of the intron after coding-DNA position 670, T replaced by A.
Molecular consequence: splice donor variant.
Genome position (GRCh38, 1-based): chr12:57,245,143, A>T on the plus strand (T>A on the coding strand, the complement: STAC3 is on the minus strand). VCF-style: chr12-57245143-A-T. GRCh37 (hg19) VCF-style: chr12-57638926-A-T.
Other names: c.112+2T>A (NM_001286257.2); c.553+2T>A (NM_001286256.2).
Identifiers: ClinVar variation 2074431 (VCV002074431.4), dbSNP rs112253539, ClinGen allele CA237756514.
Genomic context (GRCh38, chr12:57,245,143, plus strand): 5'-TCTGTTCCACAGCTGAGCCTCTGATCCTACTCCATCTCTGGATGGAGGTGGGTAACACTC[A>T]CCATCCTGGGGTTTGCCTTCCTCTGGTCTGGCCGACTCTGGCTCCTCCTCCATCATGGCT-3'